The following is an entry in ClinVar:

NM_001160372.4(TRAPPC9):c.3013C>T (p.Gln1005Ter)

Gene: TRAPPC9 (trafficking protein particle complex subunit 9; minus strand). Cytogenetic location: 8q24.3.
Variant type: single nucleotide variant.
Coding change: c.3013C>T on transcript NM_001160372.4 (MANE Select); coding-DNA position 3013, C replaced by T.
Protein change: p.Gln1005Ter; replaces glutamine 1005 with a stop codon.
Molecular consequence: nonsense. On other transcripts: non-coding transcript variant (1).
Genome position (GRCh38, 1-based): chr8:139,885,921, G>A on the plus strand (C>T on the coding strand, the complement: TRAPPC9 is on the minus strand). VCF-style: chr8-139885921-G-A. GRCh37 (hg19) VCF-style: chr8-140898165-G-A.
Other names: c.2986C>T, p.Gln996Ter (NM_001321646.2); c.3034C>T, p.Gln1012Ter (NM_001374682.1); c.2902C>T, p.Gln968Ter (NM_001374683.1); c.2869C>T, p.Gln957Ter (NM_001374684.1); c.3013C>T, p.Gln1005Ter (NM_031466.8); short protein forms Q1005*, Q996*, Q1012*, Q957*, Q968*.
Identifiers: ClinVar variation 2014617 (VCV002014617.6), dbSNP rs913893905, ClinGen allele CA372735077.
Genomic context (GRCh38, chr8:139,885,921, plus strand): 5'-TGGCTGGCGGGTACTCACCCCACTGCAGAGGCGCCAGCTGCAGGTGCTCCAGGACGAGCT[G>A]GTTCAGGAGTCCTTCCACACTCGCCTCGCCACTGCGCTTCAGGGAGGGGTGAGCCTTGGT-3'

ClinVar aggregate classification (germline): Pathogenic/Likely pathogenic. Review status: criteria provided, multiple submitters, no conflicts (2 of 4 stars). 2 submissions from 2 submitters: Pathogenic (1); Likely pathogenic (1). Last evaluated 2023-01-27.

Conditions:
Intellectual developmental disorder, autosomal recessive 13. Also called: Intellectual disability, autosomal recessive 13. Identifiers: Orphanet 88616, MedGen C2750791, MONDO:0013173, OMIM 613192.

Submissions (2):

Labcorp Genetics (formerly Invitae), Labcorp
Classification: Pathogenic. Last evaluated: 2023-01-27. Review status: criteria provided, single submitter. Criteria: Invitae Variant Classification Sherloc (09022015). Collection method: clinical testing. Allele origin: germline.
Comment: Algorithms developed to predict the effect of sequence changes on RNA splicing suggest that this variant may disrupt the consensus splice site. This variant has not been reported in the literature in individuals affected with TRAPPC9-related conditions. This variant is not present in population databases (gnomAD no frequency). This sequence change creates a premature translational stop signal (p.Gln1103*) in the TRAPPC9 gene. It is expected to result in an absent or disrupted protein product. Loss-of-function variants in TRAPPC9 are known to be pathogenic (PMID: 2000476, 20004763, 20004764). For these reasons, this variant has been classified as Pathogenic.

Juno Genomics, Hangzhou Juno Genomics, Inc
Classification: Likely pathogenic for Intellectual developmental disorder, autosomal recessive 13. Review status: criteria provided, single submitter. Criteria: ACMG Guidelines, 2015. Collection method: clinical testing. Allele origin: germline.
Comment: Null variant in a gene where loss of function (LOF) is a known mechanism of disease.;Absent from controls (or at extremely low frequency if recessive) in Genome Aggregation Database.

Literature cited by the submitters: PubMed 2000476 (cited by Labcorp Genetics (formerly Invitae), Labcorp); PubMed 20004763 (cited by Labcorp Genetics (formerly Invitae), Labcorp); PubMed 20004764 (cited by Labcorp Genetics (formerly Invitae), Labcorp).